The following is an entry in ClinVar:

ClinVar aggregate classification (germline): Benign. Review status: criteria provided, multiple submitters, no conflicts (2 of 4 stars). 13 submissions from 12 submitters: Benign (11). 2 of the submissions do not count toward it. Last evaluated 2026-02-04.

Conditions:
Bardet-Biedl syndrome (BBS). Identifiers: Orphanet 110, MedGen C0752166, MONDO:0015229.
Sarcotubular myopathy (LGMDR8). Also called: Limb-girdle muscular dystrophy, type 2H; Hutterite type of muscular dystrophy; Autosomal recessive limb-girdle muscular dystrophy type 2H; MUSCULAR DYSTROPHY, LIMB-GIRDLE, AUTOSOMAL RECESSIVE 8. Identifiers: Orphanet 1878, MedGen C0270968, MONDO:0009683, OMIM 254110.
Bardet-Biedl syndrome 11 (BBS11). Identifiers: Orphanet 110, MedGen C1859569, MONDO:0014439, OMIM 615988.

Allele frequency attached by ClinVar (database versions not stated): TOPMed 0.09960; 1000 Genomes Project 30x 0.10056; 1000 Genomes Project 0.10363; gnomAD 0.10569 and 0.10625; ESP Exome Variant Server 0.10680; ExAC 0.10947; gnomAD exomes 0.11082 and 0.11606.
gnomAD v4.1: 185,912 of 1,613,940 alleles (12%); highest among the groups gnomAD compares: East Asian, 14%; 11,052 homozygotes.

Submissions (13):

Labcorp Genetics (formerly Invitae), Labcorp
Classification: Benign for Bardet-Biedl syndrome. Last evaluated: 2026-02-04. Review status: criteria provided, single submitter. Criteria: Invitae Variant Classification Sherloc (09022015). Collection method: clinical testing. Allele origin: germline.

Blueprint Genetics
Classification: Benign. Last evaluated: 2024-11-27. Review status: criteria provided, single submitter. Criteria: ACMG Guidelines, 2015. Collection method: clinical testing. Allele origin: germline.

Mayo Clinic Laboratories, Mayo Clinic
Classification: Benign. Last evaluated: 2022-03-09. Review status: criteria provided, single submitter. Criteria: ACMG Guidelines, 2015. Collection method: clinical testing. Allele origin: germline. Observed: 219 variant alleles.

Mendelics
Classification: Benign for Sarcotubular myopathy. Last evaluated: 2019-05-28. Review status: criteria provided, single submitter. Criteria: Mendelics Assertion Criteria 2017. Collection method: clinical testing. Allele origin: unknown.

Illumina Laboratory Services, Illumina
Classification: Benign for Sarcotubular myopathy. Last evaluated: 2018-01-12. Review status: criteria provided, single submitter. Criteria: ICSL Variant Classification Criteria 13 December 2019. Collection method: clinical testing. Allele origin: germline.
Comment: This variant was observed in the ICSL laboratory as part of a predisposition screen in an ostensibly healthy population. It had not been previously curated by ICSL or reported in the Human Gene Mutation Database (HGMD: prior to June 1st, 2018), and was therefore a candidate for classification through an automated scoring system. Utilizing variant allele frequency, disease prevalence and penetrance estimates, and inheritance mode, an automated score was calculated to assess if this variant is too frequent to cause the disease. Based on the score and internal cut-off values, a variant classified as benign is not then subjected to further curation. The score for this variant resulted in a classification of benign for this disease.

Illumina Laboratory Services, Illumina
Classification: Benign for Bardet-Biedl syndrome 11. Last evaluated: 2018-01-12. Review status: criteria provided, single submitter. Criteria: ICSL Variant Classification Criteria 13 December 2019. Collection method: clinical testing. Allele origin: germline.
Comment: the same text as in the submission from Illumina Laboratory Services, Illumina above.

GeneDx
Classification: Benign. Last evaluated: 2016-01-19. Review status: criteria provided, single submitter. Criteria: GeneDx Variant Classification (06012015). Collection method: clinical testing. Allele origin: germline. Affected: yes.
Comment: This variant is considered likely benign or benign based on one or more of the following criteria: it is a conservative change, it occurs at a poorly conserved position in the protein, it is predicted to be benign by multiple in silico algorithms, and/or has population frequency not consistent with disease.

Laboratory for Molecular Medicine, Mass General Brigham Personalized Medicine
Classification: Benign. Last evaluated: 2015-01-13. Review status: criteria provided, single submitter. Criteria: LMM Criteria. Collection method: clinical testing. Allele origin: germline. Observed: 4 variant alleles.
Comment: p.Val418Val in exon 2 of TRIM32: This variant is not expected to have clinical s ignificance because it does not alter an amino acid residue and is not located w ithin the splice consensus sequence. It has been identified in 12.7% (1093/8600) of European American chromosomes from a broad population by the NHLBI Exome Seq uencing Project (dbSNP rs1661300).

Eurofins Ntd Llc (ga)
Classification: Benign. Last evaluated: 2012-07-12. Review status: criteria provided, single submitter. Criteria: EGL Classification Definitions 2015. Collection method: clinical testing. Allele origin: germline. Observed: 18 variant alleles, 18 heterozygotes.

Breakthrough Genomics
Classification: Benign. Review status: criteria provided, single submitter. Criteria: ACMG Guidelines, 2015. Collection method: not provided. Allele origin: germline. Inheritance: Autosomal recessive inheritance. Affected: yes.

PreventionGenetics, part of Exact Sciences
Classification: Benign. Review status: criteria provided, single submitter. Criteria: ACMG Guidelines, 2015. Collection method: clinical testing. Allele origin: germline.

Clinical Genetics DNA and cytogenetics Diagnostics Lab, Erasmus MC, Erasmus Medical Center
Classification: Benign. Review status: no assertion criteria provided. Collection method: clinical testing. Allele origin: germline. Affected: yes. Study: VKGL Data-share Consensus. Not counted in ClinVar's aggregate classification.

Genetic Services Laboratory, University of Chicago
Classification: Likely benign for AllHighlyPenetrant. Review status: no assertion criteria provided. Collection method: clinical testing. Allele origin: germline. Inheritance: Autosomal recessive inheritance. Not counted in ClinVar's aggregate classification.
Comment: Likely benign based on allele frequency in 1000 Genomes Project or ESP global frequency and its presence in a patient with a rare or unrelated disease phenotype. NOT Sanger confirmed.

NM_012210.4(TRIM32):c.1254G>A (p.Val418=)

Genes: ASTN2 (astrotactin 2; minus strand), TRIM32 (tripartite motif containing 32; plus strand). Cytogenetic location: 9q33.1.
Variant type: single nucleotide variant.
Coding change: c.1254G>A on transcript NM_012210.4 (MANE Select); coding-DNA position 1254, G replaced by A.
Protein change: p.Val418=; no amino-acid change (valine 418 retained).
Molecular consequence: synonymous variant. On other transcripts: intron variant (3).
Genome position (GRCh38, 1-based): chr9:116,698,996, G>A. VCF-style: chr9-116698996-G-A. GRCh37 (hg19) VCF-style: chr9-119461275-G-A.
Other names: p.Val418=; c.1254G>A, p.Val418= (NM_001099679.2, NM_001379048.1, NM_001379049.1 and 1 more transcripts); c.2653+26775C>T (NM_014010.5); c.2794+26775C>T (NM_001365069.1); c.2806+26775C>T (NM_001365068.1).
Identifiers: ClinVar variation 95495 (VCV000095495.34), dbSNP rs1661300, ClinGen allele CA148565.